The following is an entry in ClinVar:

ClinVar aggregate classification (germline): Uncertain significance (1 of 4 stars; one submission).

Submission:

Labcorp Genetics (formerly Invitae), Labcorp
Classification: Uncertain significance. Last evaluated: 2025-04-11. Review status: criteria provided, single submitter. Criteria: Invitae Variant Classification Sherloc (09022015). Collection method: clinical testing. Allele origin: germline.
Comment: This sequence change replaces alanine, which is neutral and non-polar, with valine, which is neutral and non-polar, at codon 191 of the C1QB protein (p.Ala191Val). This variant is not present in population databases (gnomAD no frequency). This variant has not been reported in the literature in individuals affected with C1QB-related conditions. An algorithm developed to predict the effect of missense changes on protein structure and function outputs the following: PolyPhen-2: "Benign". The valine amino acid residue is found in multiple mammalian species, which suggests that this missense change does not adversely affect protein function. In summary, the available evidence is currently insufficient to determine the role of this variant in disease. Therefore, it has been classified as a Variant of Uncertain Significance.

NM_001378156.1(C1QB):c.566C>T (p.Ala189Val)

Gene: C1QB (complement C1q B chain; plus strand). Cytogenetic location: 1p36.12.
Variant type: single nucleotide variant.
Coding change: c.566C>T on transcript NM_001378156.1 (MANE Select); coding-DNA position 566, C replaced by T.
Protein change: p.Ala189Val; replaces alanine 189 with valine.
Molecular consequence: missense variant.
Genome position (GRCh38, 1-based): chr1:22,661,196, C>T. VCF-style: chr1-22661196-C-T. GRCh37 (hg19) VCF-style: chr1-22987689-C-T.
Other names: c.572C>T, p.Ala191Val (NM_000491.5); c.566C>T, p.Ala189Val (NM_001371184.3); short protein forms A189V, A191V.
Identifiers: ClinVar variation 4717350 (VCV004717350.1).
Genomic context (GRCh38, chr1:22,661,196, plus strand): 5'-CCTACCACGCCAGCTCTCGAGGGAACCTGTGCGTGAACCTCATGCGTGGCCGGGAGCGTG[C>T]ACAGAAGGTGGTCACCTTCTGTGACTATGCCTACAACACCTTCCAGGTCACCACCGGTGG-3'
Protein context (NP_001365085.1, residues 179-199): CVNLMRGRER[Ala189Val]QKVVTFCDYA